The following is an entry in ClinVar:

ClinVar aggregate classification (germline): Uncertain significance (1 of 4 stars; one submission).

Conditions:
Plasminogen deficiency, type I. Also called: Type 1 plasminogen deficiency; Hypoplasminogenemia. Identifiers: Orphanet 722, MedGen C1968804, MONDO:0009009, OMIM 217090.

Submission:

3billion
Classification: Uncertain significance for Plasminogen deficiency, type I. Last evaluated: 2025-12-29. Review status: criteria provided, single submitter. Criteria: ACMG Guidelines, 2015. Collection method: clinical testing. Allele origin: germline. Affected: yes.
Comment: The variant is not observed in the gnomAD v4.1.0 dataset. Predicted Consequence/Location: Missense variant In silico tool prediction suggests damaging effect of the variant on gene or gene product [REVEL: 0.95 (>=0.6, sensitivity 0.68 and specificity 0.92)]. Therefore, this variant is classified as VUS according to the recommendation of ACMG/AMP guideline.

NM_000301.5(PLG):c.2326G>A (p.Gly776Arg)

Gene: PLG (plasminogen; plus strand). Cytogenetic location: 6q26.
Variant type: single nucleotide variant.
Coding change: c.2326G>A on transcript NM_000301.5 (MANE Select); coding-DNA position 2326, G replaced by A.
Protein change: p.Gly776Arg; replaces glycine 776 with arginine.
Molecular consequence: missense variant.
Genome position (GRCh38, 1-based): chr6:160,752,954, G>A. VCF-style: chr6-160752954-G-A. GRCh37 (hg19) VCF-style: chr6-161173986-G-A.
Other names: short protein forms G776R.
Identifiers: ClinVar variation 4855876 (VCV004855876.1).